The following is an entry in ClinVar:

NM_001849.4(COL6A2):c.2803G>A (p.Gly935Arg)

Gene: COL6A2 (collagen type VI alpha 2 chain; plus strand). Cytogenetic location: 21q22.3.
Variant type: single nucleotide variant.
Coding change: c.2803G>A on transcript NM_001849.4 (MANE Select); coding-DNA position 2803, G replaced by A.
Protein change: p.Gly935Arg; replaces glycine 935 with arginine.
Molecular consequence: missense variant.
Genome position (GRCh38, 1-based): chr21:46,132,295, G>A. VCF-style: chr21-46132295-G-A. GRCh37 (hg19) VCF-style: chr21-47552209-G-A.
Identifiers: ClinVar variation 93948 (VCV000093948.29), dbSNP rs35548026, ClinGen allele CA147487.

ClinVar aggregate classification (germline): Benign/Likely benign. Review status: criteria provided, multiple submitters, no conflicts (2 of 4 stars). 13 submissions from 13 submitters: Benign (8); Likely benign (1). 4 of the submissions do not count toward it. Last evaluated 2026-02-03.

Conditions:
Bethlem myopathy 1A. Also called: MYOPATHY, BENIGN CONGENITAL, WITH CONTRACTURES; Bethlem myopathy 1; Bethlem Muscular Dystrophy. Identifiers: Orphanet 610, MedGen CN029274, MONDO:0024530, OMIM 158810.

Allele frequency attached by ClinVar (database versions not stated): ESP Exome Variant Server 0.08140; 1000 Genomes Project 0.06729; gnomAD exomes 0.07935 and 0.08448; TOPMed 0.08241; 1000 Genomes Project 30x 0.06839; ExAC 0.09244; gnomAD 0.08005 and 0.08193.
gnomAD v4.1: 134,826 of 1,605,536 alleles (8.4%); highest among the groups gnomAD compares: Non-Finnish European, 8.8%; 5,894 homozygotes.

Submissions (13):

Labcorp Genetics (formerly Invitae), Labcorp
Classification: Benign for Bethlem myopathy 1A. Last evaluated: 2026-02-03. Review status: criteria provided, single submitter. Criteria: Invitae Variant Classification Sherloc (09022015). Collection method: clinical testing. Allele origin: germline.

Blueprint Genetics
Classification: Benign. Last evaluated: 2024-11-28. Review status: criteria provided, single submitter. Criteria: ACMG Guidelines, 2015. Collection method: clinical testing. Allele origin: germline.

Athena Diagnostics
Classification: Benign. Last evaluated: 2017-11-06. Review status: criteria provided, single submitter. Criteria: Athena Diagnostics Criteria. Collection method: clinical testing. Allele origin: germline.

Mayo Clinic Laboratories, Mayo Clinic
Classification: Benign. Last evaluated: 2017-08-25. Review status: criteria provided, single submitter. Criteria: ACMG Guidelines, 2015. Collection method: clinical testing. Allele origin: germline. Observed: 123 variant alleles.

Eurofins Ntd Llc (ga)
Classification: Benign. Last evaluated: 2016-07-06. Review status: criteria provided, single submitter. Criteria: EGL Classification Definitions 2015. Collection method: clinical testing. Allele origin: germline. Observed: 18 variant alleles, 18 heterozygotes.

GeneDx
Classification: Benign. Last evaluated: 2016-01-29. Review status: criteria provided, single submitter. Criteria: GeneDx Variant Classification (06012015). Collection method: clinical testing. Allele origin: germline. Affected: yes.
Comment: This variant is considered likely benign or benign based on one or more of the following criteria: it is a conservative change, it occurs at a poorly conserved position in the protein, it is predicted to be benign by multiple in silico algorithms, and/or has population frequency not consistent with disease.

Genetic Services Laboratory, University of Chicago
Classification: Benign for AllHighlyPenetrant. Last evaluated: 2013-08-15. Review status: criteria provided, single submitter. Criteria: ACMG Guidelines, 2007. Collection method: clinical testing. Allele origin: germline.

Breakthrough Genomics
Classification: Likely benign. Review status: criteria provided, single submitter. Criteria: ACMG Guidelines, 2015. Collection method: not provided. Allele origin: germline. Inheritance: Autosomal recessive inheritance. Affected: yes.

PreventionGenetics, part of Exact Sciences
Classification: Benign. Review status: criteria provided, single submitter. Criteria: ACMG Guidelines, 2015. Collection method: clinical testing. Allele origin: germline.

Clinical Genetics, Academic Medical Center
Classification: Benign. Review status: no assertion criteria provided. Collection method: clinical testing. Allele origin: germline. Affected: yes. Study: VKGL Data-share Consensus. Not counted in ClinVar's aggregate classification.

Diagnostic Laboratory, Department of Genetics, University Medical Center Groningen
Classification: Benign. Review status: no assertion criteria provided. Collection method: clinical testing. Allele origin: germline. Affected: yes. Study: VKGL Data-share Consensus. Not counted in ClinVar's aggregate classification.

Genome Diagnostics Laboratory, University Medical Center Utrecht
Classification: Benign. Review status: no assertion criteria provided. Collection method: clinical testing. Allele origin: germline. Affected: yes. Study: VKGL Data-share Consensus. Not counted in ClinVar's aggregate classification.

Joint Genome Diagnostic Labs from Nijmegen and Maastricht, Radboudumc and MUMC+
Classification: Benign. Review status: no assertion criteria provided. Collection method: clinical testing. Allele origin: germline. Affected: yes. Study: VKGL Data-share Consensus. Not counted in ClinVar's aggregate classification.